The following is an entry in ClinVar:

ClinVar aggregate classification (germline): Likely pathogenic. Review status: criteria provided, multiple submitters, no conflicts (2 of 4 stars). 2 submissions from 2 submitters: Likely pathogenic (2). Last evaluated 2024-05-01.

Conditions:
Arthrogryposis, distal, type 1A. Also called: ARTHROGRYPOSIS MULTIPLEX CONGENITA, DISTAL, TYPE I. Identifiers: Orphanet 1146, MedGen C6022280, MONDO:0007157, OMIM 108120.

Submissions (2):

Labcorp Genetics (formerly Invitae), Labcorp
Classification: Likely pathogenic for Arthrogryposis, distal, type 1A. Last evaluated: 2024-05-01. Review status: criteria provided, single submitter. Criteria: Invitae Variant Classification Sherloc (09022015). Collection method: clinical testing. Allele origin: germline.
Comment: This sequence change replaces lysine, which is basic and polar, with glutamic acid, which is acidic and polar, at codon 128 of the TPM2 protein (p.Lys128Glu). This variant is not present in population databases (gnomAD no frequency). This missense change has been observed in individual(s) with autosomal dominant congenital myopathy (PMID: 24214167, 24692096). In at least one individual the variant was observed to be de novo. ClinVar contains an entry for this variant (Variation ID: 577391). Advanced modeling of protein sequence and biophysical properties (such as structural, functional, and spatial information, amino acid conservation, physicochemical variation, residue mobility, and thermodynamic stability) performed at Invitae indicates that this missense variant is expected to disrupt TPM2 protein function with a positive predictive value of 80%. In summary, the currently available evidence indicates that the variant is pathogenic, but additional data are needed to prove that conclusively. Therefore, this variant has been classified as Likely Pathogenic.

GeneDx
Classification: Likely pathogenic. Last evaluated: 2021-10-05. Review status: criteria provided, single submitter. Criteria: GeneDx Variant Classification Process June 2021. Collection method: clinical testing. Allele origin: germline. Affected: yes.
Comment: Previously reported in an individual with congenital myopathy; additional clinical information and segregation data not provided (Savarese et al., 2014); In silico analysis supports that this missense variant has a deleterious effect on protein structure/function; Missense variants in this gene are often considered pathogenic (HGMD); Not observed at significant frequency in large population cohorts (gnomAD); This variant is associated with the following publications: (PMID: 23886664, 25214167, 24692096)

Literature cited by the submitters: PubMed 24214167 (cited by Labcorp Genetics (formerly Invitae), Labcorp); PubMed 24692096 (cited by Labcorp Genetics (formerly Invitae), Labcorp).

NM_003289.4(TPM2):c.382A>G (p.Lys128Glu)

Gene: TPM2 (tropomyosin 2; minus strand). Cytogenetic location: 9p13.3.
Variant type: single nucleotide variant.
Coding change: c.382A>G on transcript NM_003289.4 (MANE Select); coding-DNA position 382, A replaced by G.
Protein change: p.Lys128Glu; replaces lysine 128 with glutamic acid.
Molecular consequence: missense variant.
Genome position (GRCh38, 1-based): chr9:35,685,544, T>C on the plus strand (A>G on the coding strand, the complement: TPM2 is on the minus strand). VCF-style: chr9-35685544-T-C. GRCh37 (hg19) VCF-style: chr9-35685541-T-C.
Other names: c.382A>G, p.Lys128Glu (NM_001301226.2, NM_001301227.2, NM_213674.1); short protein forms K128E.
Identifiers: ClinVar variation 577391 (VCV000577391.10), dbSNP rs1563929143, ClinGen allele CA373367754.